The following is an entry in ClinVar:

ClinVar aggregate classification (germline): Uncertain significance. Review status: criteria provided, multiple submitters, no conflicts (2 of 4 stars). 3 submissions from 3 submitters: Uncertain significance (3). Last evaluated 2025-12-02.

Conditions:
Hereditary cancer-predisposing syndrome. Also called: Tumor predisposition; Hereditary Cancer Syndrome; Hereditary neoplastic syndrome; Neoplastic Syndromes, Hereditary. Identifiers: Orphanet 140162, MedGen C0027672, MeSH D009386, MONDO:0015356.
Neurofibromatosis, type 2 (SWNV). Also called: BILATERAL ACOUSTIC NEUROFIBROMATOSIS; SCHWANNOMATOSIS, VESTIBULAR; NF2-Related Schwannomatosis. Identifiers: Orphanet 637, MedGen C0027832, MONDO:0007039, OMIM 101000. Disease mechanism: loss of function.

Submissions (3):

Labcorp Genetics (formerly Invitae), Labcorp
Classification: Uncertain significance for Neurofibromatosis, type 2. Last evaluated: 2025-12-02. Review status: criteria provided, single submitter. Criteria: Invitae Variant Classification Sherloc (09022015). Collection method: clinical testing. Allele origin: germline.
Comment: This sequence change replaces aspartic acid, which is acidic and polar, with asparagine, which is neutral and polar, at codon 30 of the NF2 protein (p.Asp30Asn). This variant is not present in population databases (gnomAD no frequency). This variant has not been reported in the literature in individuals affected with NF2-related conditions. ClinVar contains an entry for this variant (Variation ID: 822807). Invitae Evidence Modeling of protein sequence and biophysical properties (such as structural, functional, and spatial information, amino acid conservation, physicochemical variation, residue mobility, and thermodynamic stability) indicates that this missense variant is expected to disrupt NF2 protein function with a positive predictive value of 80%. In summary, the available evidence is currently insufficient to determine the role of this variant in disease. Therefore, it has been classified as a Variant of Uncertain Significance.

GeneDx
Classification: Uncertain significance. Last evaluated: 2023-12-29. Review status: criteria provided, single submitter. Criteria: GeneDx Variant Classification Process June 2021. Collection method: clinical testing. Allele origin: germline. Affected: yes.
Comment: Not observed at significant frequency in large population cohorts (gnomAD); In silico analysis supports that this missense variant has a deleterious effect on protein structure/function; Has not been previously published as pathogenic or benign to our knowledge; This variant is associated with the following publications: (PMID: 11756419, 16324214)

Ambry Genetics
Classification: Uncertain significance for Hereditary cancer-predisposing syndrome. Last evaluated: 2018-06-29. Review status: criteria provided, single submitter. Criteria: Ambry Variant Classification Scheme 2023. Collection method: clinical testing. Allele origin: germline.
Comment: The p.D30N variant (also known as c.88G>A), located in coding exon 1 of the NF2 gene, results from a G to A substitution at nucleotide position 88. The aspartic acid at codon 30 is replaced by asparagine, an amino acid with highly similar properties. This amino acid position is highly conserved in available vertebrate species. In addition, the in silico prediction for this alteration is inconclusive. Since supporting evidence is limited at this time, the clinical significance of this alteration remains unclear.

NM_000268.4(NF2):c.88G>A (p.Asp30Asn)

Gene: NF2 (NF2, moesin-ezrin-radixin like (MERLIN) tumor suppressor; plus strand). Cytogenetic location: 22q12.2.
Variant type: single nucleotide variant.
Coding change: c.88G>A on transcript NM_000268.4 (MANE Select); coding-DNA position 88, G replaced by A.
Protein change: p.Asp30Asn; replaces aspartic acid 30 with asparagine.
Molecular consequence: missense variant. On other transcripts: non-coding transcript variant (1).
Genome position (GRCh38, 1-based): chr22:29,604,086, G>A. VCF-style: chr22-29604086-G-A. GRCh37 (hg19) VCF-style: chr22-30000075-G-A.
Other names: c.88G>A, p.Asp30Asn (NM_016418.5, NM_181825.3, NM_181828.3 and 5 more transcripts); short protein forms D30N.
Identifiers: ClinVar variation 822807 (VCV000822807.6), dbSNP rs1601516058, ClinGen allele CA411146184.
Genomic context (GRCh38, chr22:29,604,086, plus strand): 5'-AGCTTCAGCTCTCTCAAGAGGAAGCAACCCAAGACGTTCACCGTGAGGATCGTCACCATG[G>A]ACGCCGAGATGGAGTTCAATTGCGAGGTAACCGGCCGGCAGCCCCGACTGCTGCGGTGAC-3'
Protein context (NP_000259.1, residues 20-40): KTFTVRIVTM[Asp30Asn]AEMEFNCEMK